The following is an entry in ClinVar:

NM_004304.5(ALK):c.1110G>A (p.Glu370=)

Gene: ALK (ALK receptor tyrosine kinase; minus strand). Cytogenetic location: 2p23.2.
Variant type: single nucleotide variant.
Coding change: c.1110G>A on transcript NM_004304.5 (MANE Select); coding-DNA position 1110, G replaced by A.
Protein change: p.Glu370=; no amino-acid change (glutamic acid 370 retained).
Molecular consequence: synonymous variant.
Genome position (GRCh38, 1-based): chr2:29,531,959, C>T on the plus strand (G>A on the coding strand, the complement: ALK is on the minus strand). VCF-style: chr2-29531959-C-T. GRCh37 (hg19) VCF-style: chr2-29754825-C-T.
Identifiers: ClinVar variation 412929 (VCV000412929.42), dbSNP rs138784554, ClinGen allele CA1594765.

ClinVar aggregate classification (germline): Benign/Likely benign. Review status: criteria provided, multiple submitters, no conflicts (2 of 4 stars). 7 submissions from 7 submitters: Benign (3); Likely benign (4). Last evaluated 2026-01-28.

Conditions:
Hereditary cancer-predisposing syndrome. Also called: Tumor predisposition; Hereditary neoplastic syndrome; Hereditary Cancer Syndrome; Neoplastic Syndromes, Hereditary. Identifiers: Orphanet 140162, MedGen C0027672, MeSH D009386, MONDO:0015356.
Neuroblastoma, susceptibility to, 3. Also called: ALK-Related Neuroblastic Tumor Susceptibility. Identifiers: Orphanet 635, MedGen C2751681, MONDO:0013083, OMIM 613014.

Allele frequency attached by ClinVar (database versions not stated): gnomAD exomes 0.00048 and 0.00019; ExAC 0.00053; ESP Exome Variant Server 0.00161; gnomAD 0.00182 and 0.00195; TOPMed 0.00195; 1000 Genomes Project 0.00319; 1000 Genomes Project 30x 0.00359.
gnomAD v4.1: 565 of 1,614,148 alleles (0.035%); highest among the groups gnomAD compares: African/African-American, 0.63%; 2 homozygotes.

Submissions (7):

Labcorp Genetics (formerly Invitae), Labcorp
Classification: Benign for Neuroblastoma, susceptibility to, 3. Last evaluated: 2026-01-28. Review status: criteria provided, single submitter. Criteria: Invitae Variant Classification Sherloc (09022015). Collection method: clinical testing. Allele origin: germline.

CeGaT Center for Human Genetics Tuebingen
Classification: Likely benign. Last evaluated: 2025-11-01. Review status: criteria provided, single submitter. Criteria: CeGaT Center For Human Genetics Tuebingen Variant Classification Criteria Version 2. Collection method: clinical testing. Allele origin: germline. Affected: yes. Observed: 2 variant alleles.
Comment: ALK: BP4, BP7

Blueprint Genetics
Classification: Likely benign. Last evaluated: 2024-08-21. Review status: criteria provided, single submitter. Criteria: ACMG Guidelines, 2015. Collection method: clinical testing. Allele origin: germline.

KCCC/NGS Laboratory, Kuwait Cancer Control Center
Classification: Benign for Neuroblastoma, susceptibility to, 3. Last evaluated: 2023-07-07. Review status: criteria provided, single submitter. Criteria: ACMG Guidelines, 2015. Collection method: clinical testing. Allele origin: germline. Affected: yes.

Genetic Services Laboratory, University of Chicago
Classification: Likely benign. Last evaluated: 2021-10-25. Review status: criteria provided, single submitter. Criteria: ACMG Guidelines, 2015. Collection method: clinical testing. Allele origin: germline. Affected: no.

Sema4
Classification: Benign for Hereditary cancer-predisposing syndrome. Last evaluated: 2020-12-10. Review status: criteria provided, single submitter. Criteria: Sema4 Curation Guidelines. Collection method: curation. Allele origin: germline.

Ambry Genetics
Classification: Likely benign for Hereditary cancer-predisposing syndrome. Last evaluated: 2016-11-30. Review status: criteria provided, single submitter. Criteria: Ambry Variant Classification Scheme 2023. Collection method: clinical testing. Allele origin: germline.